The following is an entry in ClinVar:

ClinVar aggregate classification (germline): Uncertain significance (1 of 4 stars; one submission).

Conditions:
Hereditary breast ovarian cancer syndrome. Also called: BRCA1- and BRCA2-Associated Hereditary Breast and Ovarian Cancer; Hereditary breast and/or ovarian cancer syndrome; Hereditary breast and ovarian cancer syndrome; Hereditary breast and ovarian cancer; Breast and ovarian cancer; Hereditary breast and ovarian cancer syndrome (HBOC). Identifiers: Orphanet 145, MedGen C0677776, MeSH D061325, MONDO:0003582. Disease mechanism: loss of function.

Submission:

Labcorp Genetics (formerly Invitae), Labcorp
Classification: Uncertain significance for Hereditary breast ovarian cancer syndrome. Last evaluated: 2019-09-27. Review status: criteria provided, single submitter. Criteria: Invitae Variant Classification Sherloc (09022015). Collection method: clinical testing. Allele origin: germline.
Comment: In summary, the available evidence is currently insufficient to determine the role of this variant in disease. Therefore, it has been classified as a Variant of Uncertain Significance. Nucleotide substitutions within the consensus splice site are a relatively common cause of aberrant splicing (PMID: 17576681, 9536098). Algorithms developed to predict the effect of sequence changes on RNA splicing suggest that this variant may disrupt the consensus splice site, but this prediction has not been confirmed by published transcriptional studies. This variant has not been reported in the literature in individuals with BRCA2-related conditions. This variant is not present in population databases (ExAC no frequency). This sequence change falls in intron 11 of the BRCA2 gene. It does not directly change the encoded amino acid sequence of the BRCA2 protein, but it affects a nucleotide within the consensus splice site of the intron.

Literature cited by the submitters: PubMed 17576681; PubMed 9536098.

NM_000059.4(BRCA2):c.6842-3T>A

Gene: BRCA2 (BRCA2 DNA repair associated; plus strand). Cytogenetic location: 13q13.1.
Variant type: single nucleotide variant.
Coding change: c.6842-3T>A on transcript NM_000059.4 (MANE Select); 3 bases into the intron before coding-DNA position 6842, T replaced by A.
Molecular consequence: intron variant.
Genome position (GRCh38, 1-based): chr13:32,344,555, T>A. VCF-style: chr13-32344555-T-A. GRCh37 (hg19) VCF-style: chr13-32918692-T-A.
Identifiers: ClinVar variation 935033 (VCV000935033.10), dbSNP rs1566236846, ClinGen allele CA1139663145.